The following is an entry in ClinVar:

NM_000051.4(ATM):c.1039G>C (p.Glu347Gln)

Gene: ATM (ATM serine/threonine kinase; plus strand). Cytogenetic location: 11q22.3.
Variant type: single nucleotide variant.
Coding change: c.1039G>C on transcript NM_000051.4 (MANE Select); coding-DNA position 1039, G replaced by C.
Protein change: p.Glu347Gln; replaces glutamic acid 347 with glutamine.
Molecular consequence: missense variant.
Genome position (GRCh38, 1-based): chr11:108,247,101, G>C. VCF-style: chr11-108247101-G-C. GRCh37 (hg19) VCF-style: chr11-108117828-G-C.
Other names: c.1039G>C, p.Glu347Gln (NM_001351834.2); short protein forms E347Q.
Identifiers: ClinVar variation 407720 (VCV000407720.8), dbSNP rs529202615, ClinGen allele CA16613261.

ClinVar aggregate classification (germline): Uncertain significance (1 of 4 stars; one submission).

Conditions:
Ataxia-telangiectasia syndrome (AT). Also called: Ataxia telangiectasia (A-T); LOUIS-BAR SYNDROME; Cerebello-oculocutaneous telangiectasia; Immunodeficiency with ataxia telangiectasia; Ataxia-telangiectasia, complementation group D; AT, COMPLEMENTATION GROUP C. Identifiers: Orphanet 100, MedGen C0004135, MONDO:0008840, OMIM 208900.

Submission:

Labcorp Genetics (formerly Invitae), Labcorp
Classification: Uncertain significance for Ataxia-telangiectasia syndrome. Last evaluated: 2023-02-25. Review status: criteria provided, single submitter. Criteria: Invitae Variant Classification Sherloc (09022015). Collection method: clinical testing. Allele origin: germline.
Comment: This sequence change replaces glutamic acid, which is acidic and polar, with glutamine, which is neutral and polar, at codon 347 of the ATM protein (p.Glu347Gln). This variant is not present in population databases (gnomAD no frequency). In summary, the available evidence is currently insufficient to determine the role of this variant in disease. Therefore, it has been classified as a Variant of Uncertain Significance. An algorithm developed to predict the effect of missense changes on protein structure and function (PolyPhen-2) suggests that this variant is likely to be tolerated. ClinVar contains an entry for this variant (Variation ID: 407720). This variant has not been reported in the literature in individuals affected with ATM-related conditions.